The following is an entry in ClinVar:

NM_153676.4(USH1C):c.1531-64C>A

Gene: USH1C (USH1 protein network component harmonin; minus strand). Cytogenetic location: 11p15.1.
Variant type: single nucleotide variant.
Coding change: c.1531-64C>A on transcript NM_153676.4 (MANE Select); 64 bases into the intron before coding-DNA position 1531, C replaced by A.
Molecular consequence: intron variant.
Genome position (GRCh38, 1-based): chr11:17,509,902, G>T on the plus strand (C>A on the coding strand, the complement: USH1C is on the minus strand). VCF-style: chr11-17509902-G-T. GRCh37 (hg19) VCF-style: chr11-17531449-G-T.
Other names: c.1227+7499C>A (NM_001297764.2); c.1284+7499C>A (NM_005709.4).
Identifiers: ClinVar variation 670419 (VCV000670419.2), dbSNP rs2237965, ClinGen allele CA13438239.

ClinVar aggregate classification (germline): Benign. Review status: criteria provided, multiple submitters, no conflicts (2 of 4 stars). 2 submissions from 2 submitters: Benign (2). Last evaluated 2018-06-14.

Allele frequency attached by ClinVar (database versions not stated): gnomAD exomes 0.69700; gnomAD 0.69980 and 0.70228; TOPMed 0.70212; 1000 Genomes Project 0.71965; 1000 Genomes Project 30x 0.72002.
gnomAD v4.1: 1,070,596 of 1,535,368 alleles (70%); highest among the groups gnomAD compares: Admixed American, 79%; 374,518 homozygotes.

Submissions (2):

GeneDx
Classification: Benign. Last evaluated: 2018-06-14. Review status: criteria provided, single submitter. Criteria: GeneDx Variant Classification (06012015). Collection method: clinical testing. Allele origin: germline. Affected: yes.
Comment: This variant is considered likely benign or benign based on one or more of the following criteria: it is a conservative change, it occurs at a poorly conserved position in the protein, it is predicted to be benign by multiple in silico algorithms, and/or has population frequency not consistent with disease.

Breakthrough Genomics
Classification: Benign. Review status: criteria provided, single submitter. Criteria: ACMG Guidelines, 2015. Collection method: not provided. Allele origin: germline. Inheritance: Autosomal recessive inheritance. Affected: yes.